The following is an entry in ClinVar:

ClinVar aggregate classification (germline): Likely benign (1 of 4 stars; one submission).

Allele frequency attached by ClinVar (database versions not stated): ExAC 0.00002; gnomAD 0.00002; gnomAD exomes 0.00004; TOPMed 0.00005.
gnomAD v4.1: 56 of 1,613,952 alleles (0.0035%); highest among the groups gnomAD compares: Admixed American, 0.013%; no homozygotes.

Submission:

CeGaT Center for Human Genetics Tuebingen
Classification: Likely benign. Last evaluated: 2023-03-01. Review status: criteria provided, single submitter. Criteria: CeGaT Center For Human Genetics Tuebingen Variant Classification Criteria Version 2. Collection method: clinical testing. Allele origin: germline. Affected: yes. Observed: 1 variant allele.
Comment: TANC1: BP4, BP7

NM_033394.3(TANC1):c.4509G>A (p.Ser1503=)

Gene: TANC1 (tetratricopeptide repeat, ankyrin repeat and coiled-coil containing 1; plus strand). Cytogenetic location: 2q24.2.
Variant type: single nucleotide variant.
Coding change: c.4509G>A on transcript NM_033394.3 (MANE Select); coding-DNA position 4509, G replaced by A.
Protein change: p.Ser1503=; no amino-acid change (serine 1503 retained).
Molecular consequence: synonymous variant. On other transcripts: 3 prime UTR variant (1).
Genome position (GRCh38, 1-based): chr2:159,229,935, G>A. VCF-style: chr2-159229935-G-A. GRCh37 (hg19) VCF-style: chr2-160086446-G-A.
Other names: c.*317G>A (NM_001145909.2); c.3906G>A, p.Ser1302= (NM_001350062.2); c.4140G>A, p.Ser1380= (NM_001350063.2); c.4488G>A, p.Ser1496= (NM_001350064.2, NM_001350065.2).
Identifiers: ClinVar variation 2651455 (VCV002651455.24), dbSNP rs761006466, ClinGen allele CA1922980.